The following is an entry in ClinVar:

ClinVar aggregate classification (germline): Uncertain significance (1 of 4 stars; one submission).

Submission:

CeGaT Center for Human Genetics Tuebingen
Classification: Uncertain significance. Last evaluated: 2022-09-01. Review status: criteria provided, single submitter. Criteria: CeGaT Center For Human Genetics Tuebingen Variant Classification Criteria Version 2. Collection method: clinical testing. Allele origin: germline. Affected: yes. Observed: 1 variant allele.
Comment: DUOX1: PM2, PP3

NM_175940.3(DUOX1):c.3929G>T (p.Cys1310Phe)

Gene: DUOX1 (dual oxidase 1; plus strand). Cytogenetic location: 15q21.1.
Variant type: single nucleotide variant.
Coding change: c.3929G>T on transcript NM_175940.3 (MANE Select); coding-DNA position 3929, G replaced by T.
Protein change: p.Cys1310Phe; replaces cysteine 1310 with phenylalanine.
Molecular consequence: missense variant.
Genome position (GRCh38, 1-based): chr15:45,161,810, G>T. VCF-style: chr15-45161810-G-T. GRCh37 (hg19) VCF-style: chr15-45454008-G-T.
Other names: c.3929G>T, p.Cys1310Phe (NM_017434.5); short protein forms C1310F.
Identifiers: ClinVar variation 2645299 (VCV002645299.24), dbSNP rs2505144865, ClinGen allele CA392264573.